The following is an entry in ClinVar:

NM_001042492.3(NF1):c.889-6del

Gene: NF1 (neurofibromin 1; plus strand). Cytogenetic location: 17q11.2.
Variant type: Deletion.
Coding change: c.889-6del on transcript NM_001042492.3 (MANE Select); 6 bases into the intron before coding-DNA position 889, one base deleted (C; older notation c.889-6delC).
Molecular consequence: intron variant.
Genome position (GRCh38, 1-based): chr17:31,200,416, C deleted. VCF-style (leftmost placement, unchanged base first): chr17-31200415-TC-T. GRCh37 (hg19) VCF-style: chr17-29527433-TC-T.
Other names: c.889-6delC (NM_000267.3); c.889-6del (NM_000267.4, NM_001128147.3).
Identifiers: ClinVar variation 220058 (VCV000220058.12), dbSNP rs864622362, ClinGen allele CA348401.

ClinVar aggregate classification (germline): Likely benign. Review status: criteria provided, multiple submitters, no conflicts (2 of 4 stars). 3 submissions from 3 submitters: Likely benign (3). Last evaluated 2026-05-11.

Conditions:
Neurofibromatosis, familial spinal (FSNF). Identifiers: Orphanet 636, MedGen C1834235, MONDO:0008078, OMIM 162210. Disease mechanism: loss of function.
Neurofibromatosis-Noonan syndrome (NFNS). Also called: NEUROFIBROMATOSIS WITH NOONAN PHENOTYPE. Identifiers: Orphanet 638, MedGen C2931482, MONDO:0011035, OMIM 601321. Disease mechanism: loss of function.
Café-au-lait macules with pulmonary stenosis (WTSN). Also called: PULMONIC STENOSIS WITH CAFE-AU-LAIT SPOTS. Identifiers: MedGen C0553586, MONDO:0008672, OMIM 193520.
Juvenile myelomonocytic leukemia (JMML). Also called: LEUKEMIA, JUVENILE MYELOMONOCYTIC, SOMATIC. Identifiers: Orphanet 86834, MedGen C0349639, MONDO:0011908, OMIM 607785, HP:0012209.
Neurofibromatosis, type 1 (NF1). Also called: Neurofibromatosis, type I; NEUROFIBROMATOSIS, TYPE I, SOMATIC; VON RECKLINGHAUSEN DISEASE; Peripheral type neurofibromatosis. Identifiers: Orphanet 636, MedGen C0027831, MONDO:0018975, OMIM 162200. Disease mechanism: loss of function.

Allele frequency attached by ClinVar (database versions not stated): gnomAD 0.00001 and 0.00002; gnomAD exomes 0.00001 and below 0.00001; TOPMed 0.00004.

Submissions (3):

Myriad Genetics, Inc.
Classification: Likely benign for Neurofibromatosis, type 1. Last evaluated: 2026-05-11. Review status: criteria provided, single submitter. Criteria: Myriad Autosomal Dominant, Autosomal Recessive and X-Linked Classification Criteria (2023). Collection method: clinical testing. Allele origin: unknown.
Comment: This variant is considered likely benign. This variant is intronic and is not expected to impact mRNA splicing.

Labcorp Genetics (formerly Invitae), Labcorp
Classification: Likely benign for Neurofibromatosis, type 1. Last evaluated: 2026-01-09. Review status: criteria provided, single submitter. Criteria: Invitae Variant Classification Sherloc (09022015). Collection method: clinical testing. Allele origin: germline.

Fulgent Genetics
Classification: Likely benign for Neurofibromatosis, type 1; Neurofibromatosis, familial spinal; Café-au-lait macules with pulmonary stenosis; Neurofibromatosis-Noonan syndrome; Juvenile myelomonocytic leukemia. Last evaluated: 2022-01-01. Review status: criteria provided, single submitter. Criteria: ACMG Guidelines, 2015. Collection method: clinical testing. Allele origin: unknown.